The following is an entry in ClinVar:

ClinVar aggregate classification (germline): Uncertain significance. Review status: criteria provided, multiple submitters, no conflicts (2 of 4 stars). 2 submissions from 2 submitters: Uncertain significance (2). Last evaluated 2026-07-22.

Conditions:
Familial thoracic aortic aneurysm and aortic dissection (TAAD). Also called: Thoracic aortic aneurysms and dissections. Identifiers: Orphanet 91387, MedGen C4707243, MONDO:0019625.
Rienhoff syndrome. Also called: LOEYS-DIETZ SYNDROME 5. Identifiers: MedGen C3810012, MONDO:0014262, OMIM 615582.

gnomAD v4.1: 10 of 1,614,092 alleles (0.00062%); highest among the groups gnomAD compares: Middle Eastern, 0.017%; no homozygotes.

Submissions (2):

Ambry Genetics
Classification: Uncertain significance for Familial thoracic aortic aneurysm and aortic dissection. Last evaluated: 2026-07-22. Review status: criteria provided, single submitter. Criteria: Ambry Variant Classification Scheme 2023. Collection method: clinical testing. Allele origin: germline.
Comment: The p.R309C variant (also known as c.925C>T), located in coding exon 5 of the TGFB3 gene, results from a C to T substitution at nucleotide position 925. The arginine at codon 309 is replaced by cysteine, an amino acid with highly dissimilar properties. This variant was reported in an individual with bicuspid aortic valve and aortic aneurysm (Overwater E et al. Hum Mutat, 2018 Sep;39:1173-1192). This amino acid position is not well conserved in available vertebrate species. In addition, this alteration is predicted to be tolerated by in silico analysis. Based on the available evidence, the clinical significance of this variant remains unclear.

Labcorp Genetics (formerly Invitae), Labcorp
Classification: Uncertain significance for Rienhoff syndrome. Last evaluated: 2026-01-12. Review status: criteria provided, single submitter. Criteria: Invitae Variant Classification Sherloc (09022015). Collection method: clinical testing. Allele origin: germline.
Comment: This sequence change replaces arginine, which is basic and polar, with cysteine, which is neutral and slightly polar, at codon 309 of the TGFB3 protein (p.Arg309Cys). This variant is present in population databases (no rsID available, gnomAD 0.006%). This missense change has been observed in individual(s) with aortopathy (PMID: 29907982). ClinVar contains an entry for this variant (Variation ID: 3673394). An algorithm developed to predict the effect of missense changes on protein structure and function (PolyPhen-2) suggests that this variant is likely to be tolerated. In summary, the available evidence is currently insufficient to determine the role of this variant in disease. Therefore, it has been classified as a Variant of Uncertain Significance.

Literature cited by the submitters: PubMed 29907982 (cited by Ambry Genetics and Labcorp Genetics (formerly Invitae), Labcorp).

NM_003239.5(TGFB3):c.925C>T (p.Arg309Cys)

Gene: TGFB3 (transforming growth factor beta 3; minus strand). Cytogenetic location: 14q24.3.
Variant type: single nucleotide variant.
Coding change: c.925C>T on transcript NM_003239.5 (MANE Select); coding-DNA position 925, C replaced by T.
Protein change: p.Arg309Cys; replaces arginine 309 with cysteine.
Molecular consequence: missense variant.
Genome position (GRCh38, 1-based): chr14:75,963,317, G>A on the plus strand (C>T on the coding strand, the complement: TGFB3 is on the minus strand). VCF-style: chr14-75963317-G-A. GRCh37 (hg19) VCF-style: chr14-76429660-G-A.
Other names: c.925C>T, p.Arg309Trp (NM_001329938.2); c.925C>T, p.Arg309Cys (NM_001329939.2); short protein forms R309C, R309W.
Identifiers: ClinVar variation 3673394 (VCV003673394.3).